The following is an entry in ClinVar:

NM_000222.3(KIT):c.115A>G (p.Ile39Val)

Gene: KIT (KIT proto-oncogene, receptor tyrosine kinase; plus strand). Cytogenetic location: 4q12.
Variant type: single nucleotide variant.
Coding change: c.115A>G on transcript NM_000222.3 (MANE Select); coding-DNA position 115, A replaced by G.
Protein change: p.Ile39Val; replaces isoleucine 39 with valine.
Molecular consequence: missense variant.
Genome position (GRCh38, 1-based): chr4:54,695,559, A>G. VCF-style: chr4-54695559-A-G. GRCh37 (hg19) VCF-style: chr4-55561725-A-G.
Other names: c.115A>G, p.Ile39Val (NM_001093772.2, NM_001385284.1, NM_001385285.1 and 4 more transcripts); short protein forms I39V.
Identifiers: ClinVar variation 1018694 (VCV001018694.17), dbSNP rs1298190443, ClinGen allele CA356896871.

ClinVar aggregate classification (germline): Uncertain significance (1 of 4 stars; one submission).

Conditions:
Gastrointestinal stromal tumor. Also called: Gastrointestinal stromal tumor, somatic; Gastrointestinal stroma tumor. Identifiers: Orphanet 44890, MedGen C0238198, MeSH D046152, MONDO:0011719, OMIM 606764, HP:0100723.

Allele frequency attached by ClinVar (database versions not stated): gnomAD exomes below 0.00001; gnomAD 0.00001.
gnomAD v4.1: 4 of 1,614,072 alleles (0.00025%); highest among the groups gnomAD compares: Non-Finnish European, 0.00034%; no homozygotes.

Submission:

Labcorp Genetics (formerly Invitae), Labcorp
Classification: Uncertain significance for Gastrointestinal stromal tumor. Last evaluated: 2026-01-25. Review status: criteria provided, single submitter. Criteria: Invitae Variant Classification Sherloc (09022015). Collection method: clinical testing. Allele origin: germline.
Comment: This sequence change replaces isoleucine, which is neutral and non-polar, with valine, which is neutral and non-polar, at codon 39 of the KIT protein (p.Ile39Val). This variant is present in population databases (no rsID available, gnomAD 0.007%). This variant has not been reported in the literature in individuals affected with KIT-related conditions. ClinVar contains an entry for this variant (Variation ID: 1018694). An algorithm developed to predict the effect of missense changes on protein structure and function (PolyPhen-2) suggests that this variant is likely to be disruptive. In summary, the available evidence is currently insufficient to determine the role of this variant in disease. Therefore, it has been classified as a Variant of Uncertain Significance.